The following is an entry in ClinVar:

NM_004333.6(BRAF):c.1518-7T>C

Gene: BRAF (B-Raf proto-oncogene, serine/threonine kinase; minus strand). Cytogenetic location: 7q34.
Variant type: single nucleotide variant.
Coding change: c.1518-7T>C on transcript NM_004333.6 (MANE Select); 7 bases into the intron before coding-DNA position 1518, T replaced by C.
Molecular consequence: intron variant.
Genome position (GRCh38, 1-based): chr7:140,777,095, A>G on the plus strand (T>C on the coding strand, the complement: BRAF is on the minus strand). VCF-style: chr7-140777095-A-G. GRCh37 (hg19) VCF-style: chr7-140476895-A-G.
Other names: c.1518-7T>C (NM_001378474.1, NM_001378468.1, NM_001354609.2); c.1416-7T>C (NM_001378470.1); c.1254-7T>C (NM_001378475.1); c.1407-7T>C (NM_001378471.1); c.1638-7T>C (NM_001374258.1, NM_001374244.1); c.1527-7T>C (NM_001378467.1); c.1362-7T>C (NM_001378472.1, NM_001378473.1); c.1452-7T>C (NM_001378469.1).
Identifiers: ClinVar variation 381091 (VCV000381091.5), dbSNP rs199745091, ClinGen allele CA4516707.
Genomic context (GRCh38, chr7:140,777,095, plus strand): 5'-TGTGGCTTTGTGGAATAGCCCATGAAGAGTAGGATATTCACATGTCGTGTTTTCCTGTAC[A>G]AAGAAATGTGACAGTAAACATTAAATGTCGACAAACTTTAGCAATTCTTACAAAAGAGAA-3'

ClinVar aggregate classification (germline): Likely benign. Review status: criteria provided, multiple submitters, no conflicts (2 of 4 stars). 3 submissions from 3 submitters: Likely benign (3). Last evaluated 2024-10-07.

Conditions:
RASopathy. Also called: rasopathies; Noonan spectrum disorder. Identifiers: Orphanet 536391, MedGen C5555857, MONDO:0021060.

Allele frequency attached by ClinVar (database versions not stated): gnomAD exomes 0.00001; TOPMed 0.00001; ExAC 0.00002; gnomAD 0.00002; 1000 Genomes Project 30x 0.00016; 1000 Genomes Project 0.00020.
gnomAD v4.1: 10 of 1,613,512 alleles (0.00062%); highest among the groups gnomAD compares: Non-Finnish European, 0.00085%; no homozygotes.

Submissions (3):

Labcorp Genetics (formerly Invitae), Labcorp
Classification: Likely benign for RASopathy. Last evaluated: 2024-10-07. Review status: criteria provided, single submitter. Criteria: Invitae Variant Classification Sherloc (09022015). Collection method: clinical testing. Allele origin: germline.

Blueprint Genetics
Classification: Likely benign. Last evaluated: 2021-12-15. Review status: criteria provided, single submitter. Criteria: ACMG Guidelines, 2015. Collection method: clinical testing. Allele origin: germline.

GeneDx
Classification: Likely benign. Last evaluated: 2015-10-12. Review status: criteria provided, single submitter. Criteria: GeneDx Variant Classification (06012015). Collection method: clinical testing. Allele origin: germline. Affected: yes.
Comment: This variant is considered likely benign or benign based on one or more of the following criteria: it is a conservative change, it occurs at a poorly conserved position in the protein, it is predicted to be benign by multiple in silico algorithms, and/or has population frequency not consistent with disease.